The following is an entry in ClinVar:

ClinVar aggregate classification (germline): Benign (1 of 4 stars; one submission).

Allele frequency attached by ClinVar (database versions not stated): gnomAD exomes 0.14228; gnomAD 0.18124 and 0.18215; TOPMed 0.19633; 1000 Genomes Project 0.24101; 1000 Genomes Project 30x 0.24360.
gnomAD v4.1: 89,782 of 587,210 alleles (15%); highest among the groups gnomAD compares: African/African-American, 31%; 8,352 homozygotes.

Submission:

GeneDx
Classification: Benign. Last evaluated: 2018-06-14. Review status: criteria provided, single submitter. Criteria: GeneDx Variant Classification (06012015). Collection method: clinical testing. Allele origin: germline. Affected: yes.
Comment: This variant is considered likely benign or benign based on one or more of the following criteria: it is a conservative change, it occurs at a poorly conserved position in the protein, it is predicted to be benign by multiple in silico algorithms, and/or has population frequency not consistent with disease.

NM_001851.6(COL9A1):c.1927-243C>T

Gene: COL9A1 (collagen type IX alpha 1 chain; minus strand). Cytogenetic location: 6q13.
Variant type: single nucleotide variant.
Coding change: c.1927-243C>T on transcript NM_001851.6 (MANE Select); 243 bases into the intron before coding-DNA position 1927, C replaced by T.
Molecular consequence: intron variant.
Genome position (GRCh38, 1-based): chr6:70,242,278, G>A on the plus strand (C>T on the coding strand, the complement: COL9A1 is on the minus strand). VCF-style: chr6-70242278-G-A. GRCh37 (hg19) VCF-style: chr6-70951981-G-A.
Other names: c.1198-243C>T (NM_001377290.1, NM_078485.4); c.1228-243C>T (NM_001377289.1).
Identifiers: ClinVar variation 677846 (VCV000677846.1), dbSNP rs6455357, ClinGen allele CA16268442.